The following is an entry in ClinVar:

ClinVar aggregate classification (germline): Conflicting classifications of pathogenicity. Review status: criteria provided, conflicting classifications (1 of 4 stars). 3 submissions from 3 submitters: Likely pathogenic (2); Uncertain significance (1). Last evaluated 2025-06-19.

Conditions:
Hereditary cancer-predisposing syndrome. Also called: Tumor predisposition; Hereditary neoplastic syndrome; Neoplastic Syndromes, Hereditary; Hereditary Cancer Syndrome. Identifiers: Orphanet 140162, MedGen C0027672, MeSH D009386, MONDO:0015356.
Pheochromocytoma/paraganglioma syndrome 1. Also called: Paraganglioma - glomus jugulare; SDHD-Related Hereditary Paraganglioma-Pheochromocytoma Syndrome; PARAGANGLIOMATA; Paragangliomas 1; Glomus tumors familial 1; PARAGANGLIOMAS, FAMILIAL NONCHROMAFFIN, 1. Identifiers: Orphanet 29072, MedGen C3494181, MONDO:0008192, OMIM 168000.

Submissions (3):

Ambry Genetics
Classification: Uncertain significance for Hereditary cancer-predisposing syndrome. Last evaluated: 2025-06-19. Review status: criteria provided, single submitter. Criteria: Ambry Variant Classification Scheme 2023. Collection method: clinical testing. Allele origin: germline.
Comment: The c.169+5G>A intronic variant results from a G to A substitution 5 nucleotides after coding exon 2 in the SDHD gene. RNA studies have demonstrated that this alteration results in abnormal splicing (Timmers HJ et al. Clin Endocrinol (Oxf), 2008 Apr;68:561-6). This alteration has been identified multiple individuals diagnosed with paragangliomas and/or pheochromocytomas (PGL/PCC) (Timmers HJ et al. Clin Endocrinol (Oxf), 2008 Apr;68:561-6; Burnichon N et al. J Clin Endocrinol Metab, 2009 Aug;94:2817-27). This nucleotide position is highly conserved in available vertebrate species. In silico splice site analysis predicts that this alteration may weaken the native splice donor site. Based on the available evidence, the clinical significance of this variant remains unclear.

Myriad Genetics, Inc.
Classification: Likely pathogenic for Pheochromocytoma/paraganglioma syndrome 1. Last evaluated: 2025-02-06. Review status: criteria provided, single submitter. Criteria: Myriad Autosomal Dominant, Autosomal Recessive and X-Linked Classification Criteria (2023). Collection method: clinical testing. Allele origin: unknown.
Comment: This variant is considered likely pathogenic. mRNA analysis has demonstrated abnormal mRNA splicing occurs [PMID: 17973943]. This variant has been reported in multiple individuals with clinical features of gene-specific disease [PMID: 17973943, 19454582, 27986441, 30584686, 25300370, 18211978, 27856506, 21937622].

Institute of Medical Genetics and Applied Genomics, University Hospital Tübingen
Classification: Likely pathogenic. Last evaluated: 2020-10-23. Review status: criteria provided, single submitter. Criteria: ACMG Guidelines, 2015. Collection method: clinical testing. Allele origin: germline. Inheritance: Autosomal unknown. Affected: yes.

Literature cited by the submitters: PubMed 17973943 (cited by Ambry Genetics and Myriad Genetics, Inc.); PubMed 19454582 (cited by Ambry Genetics and Myriad Genetics, Inc.); PubMed 27986441 (cited by Myriad Genetics, Inc.); PubMed 30584686 (cited by Myriad Genetics, Inc.); PubMed 25300370 (cited by Myriad Genetics, Inc.); PubMed 18211978 (cited by Myriad Genetics, Inc.); PubMed 27856506 (cited by Myriad Genetics, Inc.); PubMed 21937622 (cited by Myriad Genetics, Inc.).

NM_003002.4(SDHD):c.169+5G>A

Gene: SDHD (succinate dehydrogenase complex subunit D; plus strand). Cytogenetic location: 11q23.1.
Variant type: single nucleotide variant.
Coding change: c.169+5G>A on transcript NM_003002.4 (MANE Select); 5 bases into the intron after coding-DNA position 169, G replaced by A.
Molecular consequence: intron variant.
Genome position (GRCh38, 1-based): chr11:112,087,978, G>A. VCF-style: chr11-112087978-G-A. GRCh37 (hg19) VCF-style: chr11-111958702-G-A.
Other names: c.169+5G>A (NM_003002.2, NM_001276506.2, NM_001276503.2); c.53-889G>A (NM_001276504.2).
Identifiers: ClinVar variation 987149 (VCV000987149.4), dbSNP rs1865657237, ClinGen allele CA1139662328.
Genomic context (GRCh38, chr11:112,087,978, plus strand): 5'-ACCTATCCCAGAATGGTGTGGAGTGCAGCACATACACTTGTCACCGAGCCACCATTGTAT[G>A]TTCTCTCCATCGCTGCTGCTTTCTGGGCTCTAGCCATCTTTACCTTCACTAATGGTCATG-3'